The following is an entry in ClinVar:

ClinVar aggregate classification (germline): Uncertain significance. Review status: criteria provided, multiple submitters, no conflicts (2 of 4 stars). 2 submissions from 2 submitters: Uncertain significance (2). Last evaluated 2023-12-26.

Conditions:
Inborn genetic diseases. Identifiers: MedGen C0950123, MeSH D030342.
Combined immunodeficiency due to LRBA deficiency. Also called: Common variable immunodeficiency 8, with autoimmunity. Identifiers: Orphanet 445018, MedGen C3553512, MONDO:0013863, OMIM 614700.

gnomAD v4.1: 8 of 1,612,276 alleles (0.0005%); highest among the groups gnomAD compares: African/African-American, 0.0027%; no homozygotes.

Submissions (2):

Ambry Genetics
Classification: Uncertain significance for Inborn genetic diseases. Last evaluated: 2023-12-26. Review status: criteria provided, single submitter. Criteria: Ambry Variant Classification Scheme 2023. Collection method: clinical testing. Allele origin: germline.

Labcorp Genetics (formerly Invitae), Labcorp
Classification: Uncertain significance for Combined immunodeficiency due to LRBA deficiency. Last evaluated: 2022-08-07. Review status: criteria provided, single submitter. Criteria: Invitae Variant Classification Sherloc (09022015). Collection method: clinical testing. Allele origin: germline.
Comment: This sequence change replaces serine, which is neutral and polar, with leucine, which is neutral and non-polar, at codon 1779 of the LRBA protein (p.Ser1779Leu). This variant is present in population databases (rs755264075, gnomAD 0.006%). This variant has not been reported in the literature in individuals affected with LRBA-related conditions. Algorithms developed to predict the effect of missense changes on protein structure and function (SIFT, PolyPhen-2, Align-GVGD) all suggest that this variant is likely to be tolerated. Algorithms developed to predict the effect of sequence changes on RNA splicing suggest that this variant may disrupt the consensus splice site. In summary, the available evidence is currently insufficient to determine the role of this variant in disease. Therefore, it has been classified as a Variant of Uncertain Significance.

NM_001364905.1(LRBA):c.5336C>T (p.Ser1779Leu)

Gene: LRBA (LPS responsive beige-like anchor protein; minus strand). Cytogenetic location: 4q31.3.
Variant type: single nucleotide variant.
Coding change: c.5336C>T on transcript NM_001364905.1 (MANE Select); coding-DNA position 5336, C replaced by T.
Protein change: p.Ser1779Leu; replaces serine 1779 with leucine.
Molecular consequence: missense variant.
Genome position (GRCh38, 1-based): chr4:150,808,368, G>A on the plus strand (C>T on the coding strand, the complement: LRBA is on the minus strand). VCF-style: chr4-150808368-G-A. GRCh37 (hg19) VCF-style: chr4-151729520-G-A.
Other names: c.5336C>T, p.Ser1779Leu (NM_001199282.3, NM_001367550.1, NM_006726.5); short protein forms S1779L.
Identifiers: ClinVar variation 1937408 (VCV001937408.6), dbSNP rs755264075, ClinGen allele CA3102518.